The following is an entry in ClinVar:

ClinVar aggregate classification (germline): Uncertain significance (1 of 4 stars; one submission).

Allele frequency attached by ClinVar (database versions not stated): gnomAD exomes 0.00001; ExAC 0.00002; gnomAD 0.00003; TOPMed 0.00005; ESP Exome Variant Server 0.00008.

Submission:

Labcorp Genetics (formerly Invitae), Labcorp
Classification: Uncertain significance. Last evaluated: 2022-05-06. Review status: criteria provided, single submitter. Criteria: Invitae Variant Classification Sherloc (09022015). Collection method: clinical testing. Allele origin: germline.
Comment: In summary, the available evidence is currently insufficient to determine the role of this variant in disease. Therefore, it has been classified as a Variant of Uncertain Significance. This sequence change replaces glutamic acid, which is acidic and polar, with lysine, which is basic and polar, at codon 787 of the SH3PXD2B protein (p.Glu787Lys). This variant is present in population databases (rs142818364, gnomAD 0.02%). This variant has not been reported in the literature in individuals affected with SH3PXD2B-related conditions. Algorithms developed to predict the effect of missense changes on protein structure and function are either unavailable or do not agree on the potential impact of this missense change (SIFT: "Deleterious"; PolyPhen-2: "Benign"; Align-GVGD: "Class C0").

NM_001017995.3(SH3PXD2B):c.2359G>A (p.Glu787Lys)

Gene: SH3PXD2B (SH3 and PX domains 2B; minus strand). Cytogenetic location: 5q35.1.
Variant type: single nucleotide variant.
Coding change: c.2359G>A on transcript NM_001017995.3 (MANE Select); coding-DNA position 2359, G replaced by A.
Protein change: p.Glu787Lys; replaces glutamic acid 787 with lysine.
Molecular consequence: missense variant. On other transcripts: intron variant (1).
Genome position (GRCh38, 1-based): chr5:172,338,746, C>T on the plus strand (G>A on the coding strand, the complement: SH3PXD2B is on the minus strand). VCF-style: chr5-172338746-C-T. GRCh37 (hg19) VCF-style: chr5-171765750-C-T.
Other names: c.1188+7390G>A (NM_001308175.2); short protein forms E787K.
Identifiers: ClinVar variation 2419915 (VCV002419915.4), dbSNP rs142818364, ClinGen allele CA3560986.